The following is an entry in ClinVar:

ClinVar aggregate classification (germline): Uncertain significance (1 of 4 stars; one submission).

Conditions:
Gastrointestinal stromal tumor. Also called: Gastrointestinal stromal tumor, somatic; Gastrointestinal stroma tumor. Identifiers: Orphanet 44890, MedGen C0238198, MeSH D046152, MONDO:0011719, OMIM 606764, HP:0100723.

Allele frequency attached by ClinVar (database versions not stated): gnomAD exomes below 0.00001.
gnomAD v4.1: 4 of 1,613,820 alleles (0.00025%); highest among the groups gnomAD compares: Non-Finnish European, 0.00034%; no homozygotes.

Submission:

Labcorp Genetics (formerly Invitae), Labcorp
Classification: Uncertain significance for Gastrointestinal stromal tumor. Last evaluated: 2023-07-28. Review status: criteria provided, single submitter. Criteria: Invitae Variant Classification Sherloc (09022015). Collection method: clinical testing. Allele origin: germline.
Comment: This sequence change replaces threonine, which is neutral and polar, with serine, which is neutral and polar, at codon 417 of the KIT protein (p.Thr417Ser). This variant is not present in population databases (gnomAD no frequency). This variant has not been reported in the literature in individuals affected with KIT-related conditions. An algorithm developed to predict the effect of missense changes on protein structure and function (PolyPhen-2) suggests that this variant is likely to be tolerated. In summary, the available evidence is currently insufficient to determine the role of this variant in disease. Therefore, it has been classified as a Variant of Uncertain Significance.

NM_000222.3(KIT):c.1249A>T (p.Thr417Ser)

Gene: KIT (KIT proto-oncogene, receptor tyrosine kinase; plus strand). Cytogenetic location: 4q12.
Variant type: single nucleotide variant.
Coding change: c.1249A>T on transcript NM_000222.3 (MANE Select); coding-DNA position 1249, A replaced by T.
Protein change: p.Thr417Ser; replaces threonine 417 with serine.
Molecular consequence: missense variant.
Genome position (GRCh38, 1-based): chr4:54,723,601, A>T. VCF-style: chr4-54723601-A-T. GRCh37 (hg19) VCF-style: chr4-55589767-A-T.
Other names: c.1249A>T, p.Thr417Ser (NM_001093772.2, NM_001385285.1, NM_001385286.1); c.1252A>T, p.Thr418Ser (NM_001385284.1, NM_001385288.1, NM_001385290.1 and 1 more transcripts); short protein forms T417S, T418S.
Identifiers: ClinVar variation 2786632 (VCV002786632.3), dbSNP rs2109760447, ClinGen allele CA356905381.
Genomic context (GRCh38, chr4:54,723,601, plus strand): 5'-TTTTCCAGCACTCTGACATATGGCCATTTCTGTTTTCCTGTAGCAAAACCAGAAATCCTG[A>T]CTTACGACAGGCTCGTGAATGGCATGCTCCAATGTGTGGCAGCAGGATTCCCAGAGCCCA-3'
Protein context (NP_000213.1, residues 407-427): VYVNTKPEIL[Thr417Ser]YDRLVNGMLQ